The following is an entry in ClinVar:

NM_000018.4(ACADVL):c.782T>C (p.Val261Ala)

Gene: ACADVL (acyl-CoA dehydrogenase very long chain; plus strand). Cytogenetic location: 17p13.1.
Variant type: single nucleotide variant.
Coding change: c.782T>C on transcript NM_000018.4 (MANE Select); coding-DNA position 782, T replaced by C.
Protein change: p.Val261Ala; replaces valine 261 with alanine.
Molecular consequence: missense variant.
Genome position (GRCh38, 1-based): chr17:7,222,206, T>C. VCF-style: chr17-7222206-T-C. GRCh37 (hg19) VCF-style: chr17-7125525-T-C.
Other names: c.716T>C, p.Val239Ala (NM_001033859.3); c.851T>C, p.Val284Ala (NM_001270447.2); c.554T>C, p.Val185Ala (NM_001270448.2); short protein forms V185A, V239A, V261A, V284A.
Identifiers: ClinVar variation 811260 (VCV000811260.15), dbSNP rs756069599, ClinGen allele CA8337852.

ClinVar aggregate classification (germline): Conflicting classifications of pathogenicity. Review status: criteria provided, conflicting classifications (1 of 4 stars). 4 submissions from 4 submitters: Likely pathogenic (1); Uncertain significance (3). Last evaluated 2024-12-02.

Conditions:
Very long chain acyl-CoA dehydrogenase deficiency (ACADVLD). Also called: VLCAD Deficiency; Very Long-Chain Acyl-Coenzyme A Dehydrogenase Deficiency. Identifiers: Orphanet 26793, MedGen C3887523, MONDO:0008723, OMIM 201475.

Allele frequency attached by ClinVar (database versions not stated): gnomAD exomes below 0.00001 and 0.00001; ExAC 0.00001.

Submissions (4):

Labcorp Genetics (formerly Invitae), Labcorp
Classification: Likely pathogenic for Very long chain acyl-CoA dehydrogenase deficiency. Last evaluated: 2024-12-02. Review status: criteria provided, single submitter. Criteria: Invitae Variant Classification Sherloc (09022015). Collection method: clinical testing. Allele origin: germline.
Comment: This sequence change replaces valine, which is neutral and non-polar, with alanine, which is neutral and non-polar, at codon 261 of the ACADVL protein (p.Val261Ala). This variant is present in population databases (rs756069599, gnomAD 0.006%). This missense change has been observed in individual(s) with VLCAD deficiency (internal data). In at least one individual the data is consistent with being in trans (on the opposite chromosome) from a pathogenic variant. ClinVar contains an entry for this variant (Variation ID: 811260). Invitae Evidence Modeling of protein sequence and biophysical properties (such as structural, functional, and spatial information, amino acid conservation, physicochemical variation, residue mobility, and thermodynamic stability) indicates that this missense variant is expected to disrupt ACADVL protein function with a positive predictive value of 80%. In summary, the currently available evidence indicates that the variant is pathogenic, but additional data are needed to prove that conclusively. Therefore, this variant has been classified as Likely Pathogenic.

Fulgent Genetics
Classification: Uncertain significance for Very long chain acyl-CoA dehydrogenase deficiency. Last evaluated: 2022-02-20. Review status: criteria provided, single submitter. Criteria: ACMG Guidelines, 2015. Collection method: clinical testing. Allele origin: unknown.

Wong Mito Lab, Molecular and Human Genetics, Baylor College of Medicine
Classification: Uncertain significance for Very long chain acyl-CoA dehydrogenase deficiency. Last evaluated: 2019-11-01. Review status: criteria provided, single submitter. Criteria: ACMG Guidelines, 2015. Collection method: clinical testing. Allele origin: germline.
Comment: The NM_000018.3:c.782T>C (NP_000009.1:p.Val261Ala) [GRCH38: NC_000017.11:g.7222206T>C] variant in ACADVL gene is interpretated to be Uncertain Significance based on ACMG guidelines (PMID: 25741868). This variant has been reported. This variant meets the following evidence codes reported in the ACMG guidelines: PP3

ARUP Laboratories, Molecular Genetics and Genomics, ARUP Laboratories
Classification: Uncertain significance for Very long chain acyl-CoA dehydrogenase deficiency. Last evaluated: 2019-01-27. Review status: criteria provided, single submitter. Criteria: ARUP Molecular Germline Variant Investigation Process. Collection method: clinical testing. Allele origin: germline.
Comment: The ACADVL c.782T>C; p.Val261Ala variant (rs756069599), to our knowledge, is not reported in the medical literature or gene specific databases. This variant is only observed on two alleles in the Genome Aggregation Database, indicating it is not a common polymorphism. The valine at codon 261 is highly conserved, and computational analyses (SIFT, PolyPhen-2) predict that this variant is deleterious. Due to limited information, the clinical significance of the p.Val261Ala variant is uncertain at this time.